The following is an entry in ClinVar:

ClinVar aggregate classification (germline): Uncertain significance (1 of 4 stars; one submission).

Allele frequency attached by ClinVar (database versions not stated): gnomAD exomes below 0.00001; TOPMed 0.00002.
gnomAD v4.1: 2 of 1,614,188 alleles (0.00012%); highest among the groups gnomAD compares: African/African-American, 0.0027%; no homozygotes.

Submission:

Labcorp Genetics (formerly Invitae), Labcorp
Classification: Uncertain significance. Last evaluated: 2025-11-10. Review status: criteria provided, single submitter. Criteria: Invitae Variant Classification Sherloc (09022015). Collection method: clinical testing. Allele origin: germline.
Comment: This sequence change replaces valine, which is neutral and non-polar, with isoleucine, which is neutral and non-polar, at codon 1742 of the MYH3 protein (p.Val1742Ile). This variant is present in population databases (no rsID available, gnomAD 0.007%). This variant has not been reported in the literature in individuals affected with MYH3-related conditions. ClinVar contains an entry for this variant (Variation ID: 1446259). Invitae Evidence Modeling of protein sequence and biophysical properties (such as structural, functional, and spatial information, amino acid conservation, physicochemical variation, residue mobility, and thermodynamic stability) indicates that this missense variant is not expected to disrupt MYH3 protein function with a negative predictive value of 95%. In summary, the available evidence is currently insufficient to determine the role of this variant in disease. Therefore, it has been classified as a Variant of Uncertain Significance.

NM_002470.4(MYH3):c.5224G>A (p.Val1742Ile)

Gene: MYH3 (myosin heavy chain 3; minus strand). Cytogenetic location: 17p13.1.
Variant type: single nucleotide variant.
Coding change: c.5224G>A on transcript NM_002470.4 (MANE Select); coding-DNA position 5224, G replaced by A.
Protein change: p.Val1742Ile; replaces valine 1742 with isoleucine.
Molecular consequence: missense variant.
Genome position (GRCh38, 1-based): chr17:10,631,673, C>T on the plus strand (G>A on the coding strand, the complement: MYH3 is on the minus strand). VCF-style: chr17-10631673-C-T. GRCh37 (hg19) VCF-style: chr17-10534990-C-T.
Other names: short protein forms V1742I.
Identifiers: ClinVar variation 1446259 (VCV001446259.6), dbSNP rs1349916066, ClinGen allele CA398134364.
Genomic context (GRCh38, chr17:10,631,673, plus strand): 5'-CCGTGATGGCCTTCTTGGCCTTCTCCTCAGCGTTCCTTGCATCCCTGCTGGCATCTTCTA[C>T]CTCACTCTGGAGCTGCATGAGGTCTGTCTCCAGCTTCTTCTTGGTGTGGATGAGGCTGGT-3'
Protein context (NP_002461.2, residues 1732-1752): ETDLMQLQSE[Val1742Ile]EDASRDARNA